The following is an entry in ClinVar:

ClinVar aggregate classification (germline): Uncertain significance. Review status: criteria provided, multiple submitters, no conflicts (2 of 4 stars). 2 submissions from 2 submitters: Uncertain significance (2). Last evaluated 2026-02-13.

Conditions:
Hereditary cancer-predisposing syndrome. Also called: Neoplastic Syndromes, Hereditary; Tumor predisposition; Hereditary neoplastic syndrome; Hereditary Cancer Syndrome. Identifiers: Orphanet 140162, MedGen C0027672, MeSH D009386, MONDO:0015356.
Haddad syndrome (OHD). Also called: Ondine-Hirschsprung disease. Identifiers: Orphanet 99803, MedGen C1859049, MONDO:0020493.

Allele frequency attached by ClinVar (database versions not stated): gnomAD exomes below 0.00001.
gnomAD v4.1: 1 of 1,610,972 alleles (0.000062%); highest among the groups gnomAD compares: Non-Finnish European, 0.000085%; no homozygotes.

Submissions (2):

Ambry Genetics
Classification: Uncertain significance for Hereditary cancer-predisposing syndrome. Last evaluated: 2026-02-13. Review status: criteria provided, single submitter. Criteria: Ambry Variant Classification Scheme 2023. Collection method: clinical testing. Allele origin: germline.
Comment: The p.A108V variant (also known as c.323C>T), located in coding exon 2 of the PHOX2B gene, results from a C to T substitution at nucleotide position 323. The alanine at codon 108 is replaced by valine, an amino acid with similar properties. This amino acid position is highly conserved in available vertebrate species. In addition, this alteration is predicted to be deleterious by in silico analysis. Based on the available evidence, the clinical significance of this variant remains unclear.

Labcorp Genetics (formerly Invitae), Labcorp
Classification: Uncertain significance for Haddad syndrome. Last evaluated: 2017-03-10. Review status: criteria provided, single submitter. Criteria: Invitae Variant Classification Sherloc (09022015). Collection method: clinical testing. Allele origin: germline.
Comment: In summary, this variant is a novel missense change with uncertain impact on protein function. It has been classified as a Variant of Uncertain Significance. Algorithms developed to predict the effect of missense changes on protein structure and function (SIFT, PolyPhen-2, Align-GVGD) all suggest that this variant is likely to be disruptive, but these predictions have not been confirmed by published functional studies. This variant is not present in population databases (ExAC no frequency) and has not been reported in the literature in individuals with a PHOX2B-related disease. This sequence change replaces alanine with valine at codon 108 of the PHOX2B protein (p.Ala108Val). The alanine residue is highly conserved and there is a small physicochemical difference between alanine and valine.

NM_003924.4(PHOX2B):c.323C>T (p.Ala108Val)

Gene: PHOX2B (paired like homeobox 2B; minus strand). Cytogenetic location: 4p13.
Variant type: single nucleotide variant.
Coding change: c.323C>T on transcript NM_003924.4 (MANE Select); coding-DNA position 323, C replaced by T.
Protein change: p.Ala108Val; replaces alanine 108 with valine.
Molecular consequence: missense variant.
Genome position (GRCh38, 1-based): chr4:41,747,455, G>A on the plus strand (C>T on the coding strand, the complement: PHOX2B is on the minus strand). VCF-style: chr4-41747455-G-A. GRCh37 (hg19) VCF-style: chr4-41749472-G-A.
Other names: short protein forms A108V.
Identifiers: ClinVar variation 467724 (VCV000467724.11), dbSNP rs956551152, ClinGen allele CA95829134.
Genomic context (GRCh38, chr4:41,747,455, plus strand): 5'-CGAGTGTAGATGTCGGGGTAGTGAGTCTCCGCGAAGACCCTTTCCAGCTCTTTGAGCTGG[G>A]CACTGGTGAAAGTGGTGCGGATGCGCCGCTGCTTGCGCTTCTCGTTGAGGCCGCCGTGGT-3'
Protein context (NP_003915.2, residues 98-118): QRRIRTTFTS[Ala108Val]QLKELERVFA